The following is an entry in ClinVar:

NM_153026.3(PRICKLE1):c.626G>A (p.Arg209His)

Gene: PRICKLE1 (prickle planar cell polarity protein 1; minus strand). Cytogenetic location: 12q12.
Variant type: single nucleotide variant.
Coding change: c.626G>A on transcript NM_153026.3 (MANE Select); coding-DNA position 626, G replaced by A.
Protein change: p.Arg209His; replaces arginine 209 with histidine.
Molecular consequence: missense variant.
Genome position (GRCh38, 1-based): chr12:42,466,343, C>T on the plus strand (G>A on the coding strand, the complement: PRICKLE1 is on the minus strand). VCF-style: chr12-42466343-C-T. GRCh37 (hg19) VCF-style: chr12-42860145-C-T.
Other names: c.626G>A, p.Arg209His (NM_001144881.2, NM_001144882.2, NM_001144883.2); short protein forms R209H.
Identifiers: ClinVar variation 805239 (VCV000805239.7), dbSNP rs758400992, ClinGen allele CA6519869.

ClinVar aggregate classification (germline): Uncertain significance. Review status: criteria provided, multiple submitters, no conflicts (2 of 4 stars). 3 submissions from 3 submitters: Uncertain significance (3). Last evaluated 2024-05-08.

Conditions:
Epilepsy, progressive myoclonic, 1B. Also called: PME. Identifiers: Orphanet 308, MedGen C2676254, MONDO:0012904, OMIM 612437.

Allele frequency attached by ClinVar (database versions not stated): gnomAD 0.00002; ExAC 0.00003; gnomAD exomes 0.00003 and 0.00006; TOPMed 0.00003.
gnomAD v4.1: 46 of 1,613,998 alleles (0.0029%); highest among the groups gnomAD compares: Admixed American, 0.005%; no homozygotes.

Submissions (3):

Ambry Genetics
Classification: Uncertain significance. Last evaluated: 2024-05-08. Review status: criteria provided, single submitter. Criteria: Ambry Variant Classification Scheme 2023. Collection method: clinical testing. Allele origin: germline.

Labcorp Genetics (formerly Invitae), Labcorp
Classification: Uncertain significance for Epilepsy, progressive myoclonic, 1B. Last evaluated: 2023-08-17. Review status: criteria provided, single submitter. Criteria: Invitae Variant Classification Sherloc (09022015). Collection method: clinical testing. Allele origin: germline.
Comment: This sequence change replaces arginine, which is basic and polar, with histidine, which is basic and polar, at codon 209 of the PRICKLE1 protein (p.Arg209His). This variant is present in population databases (rs758400992, gnomAD 0.009%). This variant has not been reported in the literature in individuals affected with PRICKLE1-related conditions. ClinVar contains an entry for this variant (Variation ID: 805239). Advanced modeling of protein sequence and biophysical properties (such as structural, functional, and spatial information, amino acid conservation, physicochemical variation, residue mobility, and thermodynamic stability) performed at Invitae indicates that this missense variant is expected to disrupt PRICKLE1 protein function. In summary, the available evidence is currently insufficient to determine the role of this variant in disease. Therefore, it has been classified as a Variant of Uncertain Significance.

Athena Diagnostics
Classification: Uncertain significance. Last evaluated: 2019-03-08. Review status: criteria provided, single submitter. Criteria: Athena Diagnostics Criteria. Collection method: clinical testing. Allele origin: germline.